The following is an entry in ClinVar:

NM_152383.5(DIS3L2):c.2449dup (p.Thr817fs)

Gene: DIS3L2 (DIS3 like 3'-5' exoribonuclease 2; plus strand). Cytogenetic location: 2q37.1.
Variant type: Duplication.
Coding change: c.2449dup on transcript NM_152383.5 (MANE Select); coding-DNA position 2449, one base duplicated (A; older notation c.2449dupA).
Protein change: p.Thr817fs; shifts the reading frame from threonine 817.
Molecular consequence: frameshift variant. On other transcripts: non-coding transcript variant (2), intron variant (1).
Genome position (GRCh38, 1-based): chr2:232,335,827, A duplicated. VCF-style (leftmost placement, unchanged base first): chr2-232335826-C-CA. GRCh37 (hg19) VCF-style: chr2-233200536-C-CA.
Other names: c.1582-7518dup (NM_001257281.2); short protein forms T817fs.
Identifiers: ClinVar variation 998979 (VCV000998979.7), dbSNP rs1695925656, ClinGen allele CA1335215819.

ClinVar aggregate classification (germline): Uncertain significance (1 of 4 stars; one submission).

Conditions:
Perlman syndrome (PRLMNS). Identifiers: Orphanet 2849, MedGen C0796113, MONDO:0009965, OMIM 267000.

Submission:

Labcorp Genetics (formerly Invitae), Labcorp
Classification: Uncertain significance for Perlman syndrome. Last evaluated: 2020-01-15. Review status: criteria provided, single submitter. Criteria: Invitae Variant Classification Sherloc (09022015). Collection method: clinical testing. Allele origin: germline.
Comment: In summary, the available evidence is currently insufficient to determine the role of this variant in disease. Therefore, it has been classified as a Variant of Uncertain Significance. Experimental studies and prediction algorithms are not available or were not evaluated, and the functional significance of this variant is currently unknown. This variant has not been reported in the literature in individuals with DIS3L2-related conditions. This variant is not present in population databases (ExAC no frequency). This sequence change results in a premature translational stop signal in the DIS3L2 gene (p.Thr817Asnfs*7). While this is not anticipated to result in nonsense mediated decay, it is expected to disrupt the last 69 amino acids of the DIS3L2 protein.